The following is an entry in ClinVar:

NM_016023.5(OTUD6B):c.25C>G (p.Leu9Val)

Genes: OTUD6B (OTU deubiquitinase 6B; plus strand), LOC130000726 (ATAC-STARR-seq lymphoblastoid active region 27614; plus strand). Cytogenetic location: 8q21.3.
Variant type: single nucleotide variant.
Coding change: c.25C>G on transcript NM_016023.5 (MANE Select); coding-DNA position 25, C replaced by G.
Protein change: p.Leu9Val; replaces leucine 9 with valine.
Molecular consequence: missense variant. On other transcripts: 5 prime UTR variant (1).
Genome position (GRCh38, 1-based): chr8:91,070,409, C>G. VCF-style: chr8-91070409-C-G. GRCh37 (hg19) VCF-style: chr8-92082637-C-G.
Other names: c.-419C>G (NM_001286745.3); short protein forms L9V.
Identifiers: ClinVar variation 1683920 (VCV001683920.2), dbSNP rs150797404, ClinGen allele CA4804660.

ClinVar aggregate classification (germline): Uncertain significance (1 of 4 stars; one submission).

Allele frequency attached by ClinVar (database versions not stated): gnomAD exomes below 0.00001 and 0.00001; ExAC 0.00003; gnomAD 0.00003; TOPMed 0.00003; ESP Exome Variant Server 0.00015.

Submission:

GeneDx
Classification: Uncertain significance. Last evaluated: 2021-11-02. Review status: criteria provided, single submitter. Criteria: GeneDx Variant Classification Process June 2021. Collection method: clinical testing. Allele origin: germline. Affected: yes.
Comment: In silico analysis supports that this missense variant does not alter protein structure/function; Has not been previously published as pathogenic or benign to our knowledge